The following is an entry in ClinVar:

ClinVar aggregate classification (germline): Uncertain significance. Review status: criteria provided, single submitter (1 of 4 stars). 2 submissions from 2 submitters: Uncertain significance (1). 1 of the submissions does not count toward it. Last evaluated 2025-05-01.

Conditions:
Genitopatellar syndrome (GTPTS). Also called: Genitopatellar syndrome (GPS); ABSENT PATELLAE, SCROTAL HYPOPLASIA, RENAL ANOMALIES, FACIAL DYSMORPHISM, AND MENTAL RETARDATION. Identifiers: Orphanet 85201, MedGen C1853566, MONDO:0011640, OMIM 606170.

Allele frequency attached by ClinVar (database versions not stated): gnomAD 0.00003 and 0.00001; gnomAD exomes 0.00003 and 0.00004; ExAC 0.00004; TOPMed below 0.00001; 1000 Genomes Project 30x 0.00016; 1000 Genomes Project 0.00020.
gnomAD v4.1: 43 of 1,614,160 alleles (0.0027%); highest among the groups gnomAD compares: South Asian, 0.033%; no homozygotes.

Submissions (2):

Labcorp Genetics (formerly Invitae), Labcorp
Classification: Uncertain significance for Genitopatellar syndrome. Last evaluated: 2025-05-01. Review status: criteria provided, single submitter. Criteria: Invitae Variant Classification Sherloc (09022015). Collection method: clinical testing. Allele origin: germline.
Comment: This sequence change replaces proline, which is neutral and non-polar, with leucine, which is neutral and non-polar, at codon 121 of the KAT6B protein (p.Pro121Leu). This variant is present in population databases (rs201828896, gnomAD 0.02%). This variant has not been reported in the literature in individuals affected with KAT6B-related conditions. ClinVar contains an entry for this variant (Variation ID: 1049400). An algorithm developed to predict the effect of missense changes on protein structure and function (PolyPhen-2) suggests that this variant is likely to be tolerated. In summary, the available evidence is currently insufficient to determine the role of this variant in disease. Therefore, it has been classified as a Variant of Uncertain Significance.

Department of Pathology and Laboratory Medicine, Sinai Health System
Classification: Benign. Review status: no assertion criteria provided. Collection method: clinical testing. Allele origin: unknown. Affected: yes. Study: The Canadian Open Genetics Repository (COGR). Not counted in ClinVar's aggregate classification.
Comment: The KAT6B p.Pro121Leu variant was not identified in the literature nor was it identified in ClinVar. The variant was identified in dbSNP (ID: rs201828896) and in control databases in 11 of 282604 chromosomes at a frequency of 0.00003892 (Genome Aggregation Database March 6, 2019, v2.1.1). The variant was observed in the following populations: South Asian in 7 of 30614 chromosomes (freq: 0.000229), Latino in 3 of 35434 chromosomes (freq: 0.000085) and East Asian in 1 of 19950 chromosomes (freq: 0.00005), but was not observed in the African, Ashkenazi Jewish, European (Finnish), European (non-Finnish), or Other populations. The p.Pro121 residue is conserved in mammals and computational analyses (PolyPhen-2, SIFT, AlignGVGD, BLOSUM, MutationTaster) provide inconsistent predictions regarding the impact to the protein; this information is not very predictive of pathogenicity. The variant occurs outside of the splicing consensus sequence and in silico or computational prediction software programs (SpliceSiteFinder, MaxEntScan, NNSPLICE, GeneSplicer) do not predict a difference in splicing. In summary, based on the above information this variant meets our laboratory's criteria to be classified as benign.

NM_012330.4(KAT6B):c.362C>T (p.Pro121Leu)

Gene: KAT6B (lysine acetyltransferase 6B; plus strand). Cytogenetic location: 10q22.2.
Variant type: single nucleotide variant.
Coding change: c.362C>T on transcript NM_012330.4 (MANE Select); coding-DNA position 362, C replaced by T.
Protein change: p.Pro121Leu; replaces proline 121 with leucine.
Molecular consequence: missense variant. On other transcripts: 5 prime UTR variant (2).
Genome position (GRCh38, 1-based): chr10:74,843,219, C>T. VCF-style: chr10-74843219-C-T. GRCh37 (hg19) VCF-style: chr10-76602977-C-T.
Other names: c.362C>T, p.Pro121Leu (NM_001256468.2, NM_001256469.2, NM_001370132.1 and 10 more transcripts); c.-177C>T (NM_001370134.1, NM_001370135.1); short protein forms P121L.
Identifiers: ClinVar variation 1049400 (VCV001049400.4), dbSNP rs201828896, ClinGen allele CA5564203.